The following is an entry in ClinVar:

ClinVar aggregate classification (germline): Uncertain significance (1 of 4 stars; one submission).

Allele frequency attached by ClinVar (database versions not stated): gnomAD exomes below 0.00001; gnomAD 0.00002.
gnomAD v4.1: 6 of 1,611,396 alleles (0.00037%); highest among the groups gnomAD compares: Non-Finnish European, 0.00051%; no homozygotes.

Submission:

Labcorp Genetics (formerly Invitae), Labcorp
Classification: Uncertain significance. Last evaluated: 2022-06-13. Review status: criteria provided, single submitter. Criteria: Invitae Variant Classification Sherloc (09022015). Collection method: clinical testing. Allele origin: germline.
Comment: This sequence change replaces lysine, which is basic and polar, with glutamic acid, which is acidic and polar, at codon 795 of the CAD protein (p.Lys795Glu). This variant is not present in population databases (gnomAD no frequency). This variant has not been reported in the literature in individuals affected with CAD-related conditions. Algorithms developed to predict the effect of missense changes on protein structure and function (SIFT, PolyPhen-2, Align-GVGD) all suggest that this variant is likely to be tolerated. In summary, the available evidence is currently insufficient to determine the role of this variant in disease. Therefore, it has been classified as a Variant of Uncertain Significance.

NM_004341.5(CAD):c.2383A>G (p.Lys795Glu)

Genes: CAD (carbamoyl-phosphate synthetase 2, aspartate transcarbamylase, and dihydroorotase; plus strand), LOC126806171 (BRD4-independent group 4 enhancer GRCh37_chr2:27454350-27455549; plus strand). Cytogenetic location: 2p23.3.
Variant type: single nucleotide variant.
Coding change: c.2383A>G on transcript NM_004341.5 (MANE Select); coding-DNA position 2383, A replaced by G.
Protein change: p.Lys795Glu; replaces lysine 795 with glutamic acid.
Molecular consequence: missense variant.
Genome position (GRCh38, 1-based): chr2:27,231,563, A>G. VCF-style: chr2-27231563-A-G. GRCh37 (hg19) VCF-style: chr2-27454431-A-G.
Other names: c.2194A>G, p.Lys732Glu (NM_001306079.2); short protein forms K732E, K795E.
Identifiers: ClinVar variation 1446679 (VCV001446679.7), dbSNP rs1006937374, ClinGen allele CA44504735.